The following is an entry in ClinVar:

ClinVar aggregate classification (germline): Uncertain significance (1 of 4 stars; one submission).

Conditions:
Hemorrhage, intracerebral, susceptibility to (ICH). Also called: Stroke, hemorrhagic, susceptibility to. Identifiers: MedGen C3281105, MONDO:0100533, OMIM 614519.
Autosomal dominant familial hematuria-retinal arteriolar tortuosity-contractures syndrome. Also called: Angiopathy, hereditary, with nephropathy, aneurysms, and muscle cramps; Hereditary Angiopathy with Nephropathy, Aneurysms, and Muscle Cramps (HANAC) Syndrome. Identifiers: Orphanet 73229, MedGen C2673195, MONDO:0012726, OMIM 611773.
Brain small vessel disease 1 with or without ocular anomalies (BSVD1). Also called: PORENCEPHALY, TYPE 1, AUTOSOMAL DOMINANT; Brain small vessel disease with or without ocular anomalies; BRAIN SMALL VESSEL DISEASE WITH HEMORRHAGE; GOULD SYNDROME 1. Identifiers: Orphanet 2940, Orphanet 36383, Orphanet 99810, MedGen C4755307, MONDO:0008289, OMIM 175780.
Microangiopathy and leukoencephalopathy, pontine, autosomal dominant. Also called: Pontine autosomal dominant microangiopathy with leukoencephalopathy; DEMENTIA, HEREDITARY MULTI-INFARCT, SWEDISH TYPE. Identifiers: Orphanet 477749, MedGen C5231411, MONDO:0032814, OMIM 618564.
Retinal arterial tortuosity. Also called: RETINAL HEMORRHAGE WITH VASCULAR TORTUOSITY; Retinal arteries, tortuosity of. Identifiers: Orphanet 75326, MedGen C0423401, MONDO:0008373, OMIM 180000, HP:0000631.

Submission:

Juno Genomics, Hangzhou Juno Genomics, Inc
Classification: Uncertain significance for Retinal arterial tortuosity; Hemorrhage, intracerebral, susceptibility to; Autosomal dominant familial hematuria-retinal arteriolar tortuosity-contractures syndrome; Brain small vessel disease 1 with or without ocular anomalies; Microangiopathy and leukoencephalopathy, pontine, autosomal dominant. Review status: criteria provided, single submitter. Criteria: ACMG Guidelines, 2015. Collection method: clinical testing. Allele origin: germline. Affected: yes.
Comment: Absent from controls (or at extremely low frequency if recessive) in Genome Aggregation Database, Exome Sequencing Project, 1000 Genomes Project, or Exome Aggregation Consortium.;Multiple lines of computational evidence support a deleterious effect on the gene or gene product (conservation, evolutionary, splicing impact, etc).;Missense variant in a gene that has a low rate of benign missense variation and where missense variants are a common mechanism of disease.

NM_001845.6(COL4A1):c.2939A>G (p.Asp980Gly)

Gene: COL4A1 (collagen type IV alpha 1 chain; minus strand). Cytogenetic location: 13q34.
Variant type: single nucleotide variant.
Coding change: c.2939A>G on transcript NM_001845.6 (MANE Select); coding-DNA position 2939, A replaced by G.
Protein change: p.Asp980Gly; replaces aspartic acid 980 with glycine.
Molecular consequence: missense variant.
Genome position (GRCh38, 1-based): chr13:110,176,655, T>C on the plus strand (A>G on the coding strand, the complement: COL4A1 is on the minus strand). VCF-style: chr13-110176655-T-C. GRCh37 (hg19) VCF-style: chr13-110829002-T-C.
Other names: short protein forms D980G.
Identifiers: ClinVar variation 4796556 (VCV004796556.1).